The following is an entry in ClinVar:

ClinVar aggregate classification (germline): Uncertain significance (1 of 4 stars; one submission).

gnomAD v4.1: 1 of 1,383,498 alleles (0.000072%); highest among the groups gnomAD compares: Non-Finnish European, 0.000094%; no homozygotes.

Submission:

GeneDx
Classification: Uncertain significance. Last evaluated: 2025-03-15. Review status: criteria provided, single submitter. Criteria: GeneDx Variant Classification Process June 2021. Collection method: clinical testing. Allele origin: germline. Affected: yes.
Comment: Not observed at significant frequency in large population cohorts (gnomAD); In silico analysis indicates that this missense variant does not alter protein structure/function; Has not been previously published as pathogenic or benign to our knowledge

NM_000193.4(SHH):c.1223G>T (p.Gly408Val)

Gene: SHH (sonic hedgehog signaling molecule; minus strand). Cytogenetic location: 7q36.3.
Variant type: single nucleotide variant.
Coding change: c.1223G>T on transcript NM_000193.4 (MANE Select); coding-DNA position 1223, G replaced by T.
Protein change: p.Gly408Val; replaces glycine 408 with valine.
Molecular consequence: missense variant. On other transcripts: intron variant (1).
Genome position (GRCh38, 1-based): chr7:155,803,066, C>A on the plus strand (G>T on the coding strand, the complement: SHH is on the minus strand). VCF-style: chr7-155803066-C-A. GRCh37 (hg19) VCF-style: chr7-155595760-C-A.
Other names: c.302-2821G>T (NM_001310462.2); short protein forms G408V.
Identifiers: ClinVar variation 4083283 (VCV004083283.1).